The following is an entry in ClinVar:

ClinVar aggregate classification (germline): Pathogenic. Review status: criteria provided, multiple submitters, no conflicts (2 of 4 stars). 2 submissions from 2 submitters: Pathogenic (2). Last evaluated 2025-07-02.

Conditions:
Amyloidosis, hereditary systemic 1 (AMYLD1). Also called: AMYLOID CARDIOMYOPATHY; Hereditary oculoleptomeningeal amyloid angiopathy; Familial Transthyretin Amyloidosis; Isolated Cardiac Amyloidosis; Amyloid Cardiomyopathy, Transthyretin-related; Familial amyloid polyneuropathy. Identifiers: Orphanet 85447, Orphanet 85451, MedGen C2751492, MONDO:0971004, OMIM 105210.

Submissions (2):

GeneDx
Classification: Pathogenic. Last evaluated: 2025-07-02. Review status: criteria provided, single submitter. Criteria: GeneDx Variant Classification Process June 2021. Collection method: clinical testing. Allele origin: germline. Affected: yes.
Comment: Identified in patients with TTR-related phenotypes in published literature (PMID: 27212199, 19922332, 35830843); Published functional studies demonstrate a damaging effect as p.(V50L) impairs thermodynamic and kinetic stability (PMID: 39271635); Not observed at significant frequency in large population cohorts (gnomAD); In silico analysis suggests that this missense variant does not alter protein structure/function; Also known as p.(V30L); This variant is associated with the following publications: (PMID: 39271635, 35830843, 1520326, 27212199, 19922332)

Labcorp Genetics (formerly Invitae), Labcorp
Classification: Pathogenic for Amyloidosis, hereditary systemic 1. Last evaluated: 2024-01-31. Review status: criteria provided, single submitter. Criteria: Invitae Variant Classification Sherloc (09022015). Collection method: clinical testing. Allele origin: germline.
Comment: This sequence change replaces valine, which is neutral and non-polar, with leucine, which is neutral and non-polar, at codon 50 of the TTR protein (p.Val50Leu). This variant is not present in population databases (gnomAD no frequency). This missense change has been observed in individual(s) with clinical features of familial transthyretin amyloidosis (PMID: 1520326, 19922332, 27212199). This variant is also known as p.Val30Leu. ClinVar contains an entry for this variant (Variation ID: 2138144). Advanced modeling of protein sequence and biophysical properties (such as structural, functional, and spatial information, amino acid conservation, physicochemical variation, residue mobility, and thermodynamic stability) performed at Invitae indicates that this missense variant is expected to disrupt TTR protein function with a positive predictive value of 95%. This variant disrupts the p.Val50 amino acid residue in TTR. Other variant(s) that disrupt this residue have been determined to be pathogenic (PMID: 22620962, 23833285, 24555660). This suggests that this residue is clinically significant, and that variants that disrupt this residue are likely to be disease-causing. For these reasons, this variant has been classified as Pathogenic.

Literature cited by the submitters: PubMed 1520326 (cited by Labcorp Genetics (formerly Invitae), Labcorp); PubMed 19922332 (cited by Labcorp Genetics (formerly Invitae), Labcorp); PubMed 27212199 (cited by Labcorp Genetics (formerly Invitae), Labcorp); PubMed 22620962 (cited by Labcorp Genetics (formerly Invitae), Labcorp); PubMed 23833285 (cited by Labcorp Genetics (formerly Invitae), Labcorp); PubMed 24555660 (cited by Labcorp Genetics (formerly Invitae), Labcorp).

NM_000371.4(TTR):c.148G>T (p.Val50Leu)

Gene: TTR (transthyretin; plus strand). Cytogenetic location: 18q12.1.
Variant type: single nucleotide variant.
Coding change: c.148G>T on transcript NM_000371.4 (MANE Select); coding-DNA position 148, G replaced by T.
Protein change: p.Val50Leu; replaces valine 50 with leucine.
Molecular consequence: missense variant.
Genome position (GRCh38, 1-based): chr18:31,592,974, G>T. VCF-style: chr18-31592974-G-T. GRCh37 (hg19) VCF-style: chr18-29172937-G-T.
Other names: short protein forms V50L.
Identifiers: ClinVar variation 2138144 (VCV002138144.5), dbSNP rs28933979, ClinGen allele CA402156746.